The following is an entry in ClinVar:

NM_003998.4(NFKB1):c.482C>T (p.Ala161Val)

Gene: NFKB1 (nuclear factor kappa B subunit 1; plus strand). Cytogenetic location: 4q24.
Variant type: single nucleotide variant.
Coding change: c.482C>T on transcript NM_003998.4 (MANE Select); coding-DNA position 482, C replaced by T.
Protein change: p.Ala161Val; replaces alanine 161 with valine.
Molecular consequence: missense variant.
Genome position (GRCh38, 1-based): chr4:102,576,950, C>T. VCF-style: chr4-102576950-C-T. GRCh37 (hg19) VCF-style: chr4-103498107-C-T.
Other names: c.479C>T, p.Ala160Val (NM_001165412.2, NM_001319226.2, NM_001382627.1); c.482C>T, p.Ala161Val (NM_001382625.1, NM_001382626.1); c.440C>T, p.Ala147Val (NM_001382628.1); short protein forms A147V, A160V, A161V.
Identifiers: ClinVar variation 1342355 (VCV001342355.10), dbSNP rs1354534120, ClinGen allele CA357959208.
Genomic context (GRCh38, chr4:102,576,950, plus strand): 5'-GTATACTTCATGTGACAAAGAAAAAAGTATTTGAAACACTGGAAGCACGAATGACAGAGG[C>T]GTGTATAAGGGGCTATAATCCTGGACTCTTGGTGCACCCTGACCTTGCCTATTTGCAAGC-3'
Protein context (NP_003989.2, residues 151-171): FETLEARMTE[Ala161Val]CIRGYNPGLL

ClinVar aggregate classification (germline): Conflicting classifications of pathogenicity. Review status: criteria provided, conflicting classifications (1 of 4 stars). 2 submissions from 2 submitters: Likely pathogenic (1); Uncertain significance (1). Last evaluated 2022-06-27.

Conditions:
Immunodeficiency, common variable, 12 (CVID12). Also called: IMMUNODEFICIENCY, COMMON VARIABLE, 12, WITH AUTOIMMUNITY; NFKB1 DEFICIENCY. Identifiers: Orphanet 1572, Orphanet 696874, MedGen C4225277, MONDO:0014697, OMIM 616576.

Allele frequency attached by ClinVar (database versions not stated): gnomAD exomes below 0.00001; TOPMed 0.00002; gnomAD 0.00001.
gnomAD v4.1: 7 of 1,613,644 alleles (0.00043%); highest among the groups gnomAD compares: South Asian, 0.0033%; no homozygotes.

Submissions (3):

Labcorp Genetics (formerly Invitae), Labcorp
Classification: Uncertain significance. Last evaluated: 2022-06-27. Review status: criteria provided, single submitter. Criteria: Invitae Variant Classification Sherloc (09022015). Collection method: clinical testing. Allele origin: germline.
Comment: In summary, the available evidence is currently insufficient to determine the role of this variant in disease. Therefore, it has been classified as a Variant of Uncertain Significance. Algorithms developed to predict the effect of sequence changes on RNA splicing suggest that this variant may create or strengthen a splice site. Algorithms developed to predict the effect of missense changes on protein structure and function are either unavailable or do not agree on the potential impact of this missense change (SIFT: "Deleterious"; PolyPhen-2: "Possibly Damaging"; Align-GVGD: "Class C0"). This variant has not been reported in the literature in individuals affected with NFKB1-related conditions. This variant is not present in population databases (gnomAD no frequency). This sequence change replaces alanine, which is neutral and non-polar, with valine, which is neutral and non-polar, at codon 161 of the NFKB1 protein (p.Ala161Val).

New York Genome Center
Classification: Likely pathogenic for Immunodeficiency, common variable, 12. Last evaluated: 2021-03-26. Review status: criteria provided, single submitter. Criteria: NYGC Assertion Criteria 2020. Collection method: clinical testing. Allele origin: de novo. Observed: 1 heterozygote. Study: CSER-NYCKidSeq.
Comment: The de novo c.482C>T, p.Ala161Val missense variant identified in NFKB1 has not been reported in the literature. This variant has one heterozygous allele in the gnomADv3 database, indicating this is a rare variant. The variant is situated in the Rel homology DNA-binding domain(RHD) of the NFKB1 gene. The RHD appears to play a role in the regulation of the NF-kappaB transcription factor, acting to modulate the expression of the gene [PMID: 9794820]. The substitution occurs at a position that is conserved across species and in silico tools provide conflicting evidence of pathogenicity. Based on the available evidence, the de novo missense variant c.482C>T, p.Ala161Val in the NFKB1 gene is classified as likely pathogenic.

Dr. Peter K. Rogan Lab, Western University
No classification provided (evidence only). Condition: Uterine corpus endometrial carcinoma. Review status: no classification provided. Collection method: in vitro. Allele origin: not applicable. Functional consequence: retained intron. Not counted in ClinVar's aggregate classification.